The following is an entry in ClinVar:

NM_005252.4(FOS):c.528G>C (p.Lys176Asn)

Gene: FOS (Fos proto-oncogene, AP-1 transcription factor subunit; plus strand). Cytogenetic location: 14q24.3.
Variant type: single nucleotide variant.
Coding change: c.528G>C on transcript NM_005252.4 (MANE Select); coding-DNA position 528, G replaced by C.
Protein change: p.Lys176Asn; replaces lysine 176 with asparagine.
Molecular consequence: missense variant.
Genome position (GRCh38, 1-based): chr14:75,280,809, G>C. VCF-style: chr14-75280809-G-C. GRCh37 (hg19) VCF-style: chr14-75747512-G-C.
Other names: short protein forms K176N.
Identifiers: ClinVar variation 710469 (VCV000710469.29), dbSNP rs138334429, ClinGen allele CA7277701.
Genomic context (GRCh38, chr14:75,280,809, plus strand): 5'-TGTCTTATGCTTTCCTTTATCCCTCTGTATACAGGAGACAGACCAACTAGAAGATGAGAA[G>C]TCTGCTTTGCAGACCGAGATTGCCAACCTGCTGAAGGAGAAGGAAAAACTAGAGTTCATC-3'
Protein context (NP_005243.1, residues 166-186): QAETDQLEDE[Lys176Asn]SALQTEIANL

ClinVar aggregate classification (germline): Benign/Likely benign. Review status: criteria provided, multiple submitters, no conflicts (2 of 4 stars). 3 submissions from 3 submitters: Benign (2); Likely benign (1). Last evaluated 2022-11-01.

Allele frequency attached by ClinVar (database versions not stated): ESP Exome Variant Server 0.00454; ExAC 0.00460; gnomAD exomes 0.00468; gnomAD 0.00501; 1000 Genomes Project 0.00260; 1000 Genomes Project 30x 0.00281; TOPMed 0.00335.
gnomAD v4.1: 8,751 of 1,614,080 alleles (0.54%); highest among the groups gnomAD compares: Non-Finnish European, 0.59%; 42 homozygotes.

Submissions (3):

CeGaT Center for Human Genetics Tuebingen
Classification: Likely benign. Last evaluated: 2022-11-01. Review status: criteria provided, single submitter. Criteria: CeGaT Center For Human Genetics Tuebingen Variant Classification Criteria Version 2. Collection method: clinical testing. Allele origin: germline. Affected: yes. Observed: 1 variant allele.
Comment: FOS: BS2

Labcorp Genetics (formerly Invitae), Labcorp
Classification: Benign. Last evaluated: 2019-12-31. Review status: criteria provided, single submitter. Criteria: Invitae Variant Classification Sherloc (09022015). Collection method: clinical testing. Allele origin: germline.

Breakthrough Genomics
Classification: Benign. Review status: criteria provided, single submitter. Criteria: ACMG Guidelines, 2015. Collection method: not provided. Allele origin: germline. Inheritance: Unknown mechanism. Affected: yes.